The following is an entry in ClinVar:

NM_000202.8(IDS):c.867del (p.Val290fs)

Genes: IDS (iduronate 2-sulfatase; minus strand), LOC106050102 (IDS recombination region; plus strand). Cytogenetic location: Xq28.
Variant type: Deletion.
Coding change: c.867del on transcript NM_000202.8 (MANE Select); coding-DNA position 867, one base deleted (T; older notation c.867delT).
Protein change: p.Val290fs; shifts the reading frame from valine 290.
Molecular consequence: frameshift variant. On other transcripts: non-coding transcript variant (1).
Genome position (GRCh38, 1-based): chrX:149,496,358, A deleted on the plus strand (T on the coding strand, the reverse complement: IDS is on the minus strand). VCF-style (leftmost placement, unchanged base first): chrX-149496357-CA-C. GRCh37 (hg19) VCF-style: chrX-148577888-CA-C.
Other names: c.597del, p.Val200fs (NM_001166550.4); c.867del, p.Val290fs (NM_006123.5); short protein forms V200fs, V290fs.
Identifiers: ClinVar variation 1709792 (VCV001709792.3), dbSNP rs2520850014, ClinGen allele CA2580101609.

ClinVar aggregate classification (germline): Pathogenic. Review status: criteria provided, multiple submitters, no conflicts (2 of 4 stars). 2 submissions from 2 submitters: Pathogenic (2). Last evaluated 2024-06-07.

Conditions:
Mucopolysaccharidosis, MPS-II (MPS2). Also called: IDS deficiency; Sulfoiduronate sulfatase deficiency; SIDS deficiency; Attenuated MPS (subtype; formerly known as mild MPS II); Severe MPS II; I2S deficiency. Identifiers: Orphanet 580, Orphanet 79388, MedGen C0026705, MONDO:0010674, OMIM 309900.

Submissions (2):

Laboratory of Diagnosis and Therapy of Lysosomal Disorders, University of Padova
Classification: Pathogenic for Mucopolysaccharidosis, MPS-II. Last evaluated: 2024-06-07. Review status: criteria provided, single submitter. Criteria: ACMG Guidelines, 2015. Collection method: literature only. Allele origin: germline. Affected: yes. Observed: 1 variant allele.
Comment: Null variant (PVS1_VeryStrong), Absent from controls (or at low frequency) in gnomAD database (PM2_Moderate), Patient’s phenotype or family history highly specific for the disease (PP4_Strong)

Classification method: ACMG Guidelines [PMID:25741868] with modifications

MGZ Medical Genetics Center
Classification: Pathogenic for Mucopolysaccharidosis, MPS-II. Last evaluated: 2022-09-01. Review status: criteria provided, single submitter. Criteria: ACMG Guidelines, 2015. Collection method: clinical testing. Allele origin: germline. Affected: yes. Observed: 2 variant alleles.
Comment: ACMG criteria applied: PVS1, PS4_SUP, PM2_SUP

Literature cited by the submitters: PubMed 8940265 (cited by Laboratory of Diagnosis and Therapy of Lysosomal Disorders, University of Padova).